The following is an entry in ClinVar:

NM_000540.3(RYR1):c.5482G>A (p.Asp1828Asn)

Gene: RYR1 (ryanodine receptor 1; plus strand). Cytogenetic location: 19q13.2.
Variant type: single nucleotide variant.
Coding change: c.5482G>A on transcript NM_000540.3 (MANE Select); coding-DNA position 5482, G replaced by A.
Protein change: p.Asp1828Asn; replaces aspartic acid 1828 with asparagine.
Molecular consequence: missense variant.
Genome position (GRCh38, 1-based): chr19:38,486,137, G>A. VCF-style: chr19-38486137-G-A. GRCh37 (hg19) VCF-style: chr19-38976777-G-A.
Other names: c.5482G>A, p.Asp1828Asn (NM_001042723.2); short protein forms D1828N.
Identifiers: ClinVar variation 3387741 (VCV003387741.1).
Genomic context (GRCh38, chr19:38,486,137, plus strand): 5'-CGGGACAAGGCACTGAGGATGCTGGGGGAGGCGGTGCGCGACGGTGGGCAGCACGCTCGC[G>A]ACCCCGTCGGGGGCTCCGTGGAGTTCCAGTTTGTGCCTGTGCTCAAGCTCGTGTCCACCC-3'
Protein context (NP_000531.2, residues 1818-1838): AVRDGGQHAR[Asp1828Asn]PVGGSVEFQF

ClinVar aggregate classification (germline): Uncertain significance (1 of 4 stars; one submission).

Conditions:
Malignant hyperthermia, susceptibility to, 1 (MHS1). Also called: Anesthesia related hyperthermia; Malignant hyperpyrexia; Fulminating hyperpyrexia; Pharmacogenic myopathy; RYR1-Related Malignant Hyperthermia Susceptibility; Malignant hyperthermia suceptibility 1. Identifiers: Orphanet 423, MedGen C2930980, MONDO:0007783, OMIM 145600.

Submission:

All of Us Research Program, National Institutes of Health
Classification: Uncertain significance for Malignant hyperthermia, susceptibility to, 1. Last evaluated: 2024-05-14. Review status: criteria provided, single submitter. Criteria: ACMG Guidelines, 2015. Collection method: clinical testing. Allele origin: germline. Inheritance: Autosomal dominant inheritance. Observed: 1 variant allele, 1 heterozygote.
Comment: This missense variant replaces aspartic acid with asparagine at codon 1828 of the RYR1 protein. Computational prediction is inconclusive regarding the impact of this variant on protein structure and function (internally defined REVEL score threshold 0.5 < inconclusive < 0.7, PMID: 27666373). To our knowledge, functional studies have not been reported for this variant. This variant has not been reported in individuals affected with RYR1-related disorders in the literature. This variant has not been identified in the general population by the Genome Aggregation Database (gnomAD). The available evidence is insufficient to determine the role of this variant in disease conclusively. Therefore, this variant is classified as a Variant of Uncertain Significance.

This study involves interpretation of variants in research participants for the purpose of population health screening. Participant phenotype was not available at the time of variant classification. Additional details can be found in publication PMID: 35346344, PMCID: PMC8962531